The following is an entry in ClinVar:

NM_005219.5(DIAPH1):c.2778+10G>A

Gene: DIAPH1 (diaphanous related formin 1; minus strand). Cytogenetic location: 5q31.3.
Variant type: single nucleotide variant.
Coding change: c.2778+10G>A on transcript NM_005219.5 (MANE Select); 10 bases into the intron after coding-DNA position 2778, G replaced by A.
Molecular consequence: intron variant.
Genome position (GRCh38, 1-based): chr5:141,529,162, C>T on the plus strand (G>A on the coding strand, the complement: DIAPH1 is on the minus strand). VCF-style: chr5-141529162-C-T. GRCh37 (hg19) VCF-style: chr5-140908729-C-T.
Other names: c.2751+10G>A (NM_001079812.3); c.2778+10G>A (NM_001314007.2).
Identifiers: ClinVar variation 475702 (VCV000475702.14), dbSNP rs374601448, ClinGen allele CA3478962.

ClinVar aggregate classification (germline): Likely benign. Review status: criteria provided, multiple submitters, no conflicts (2 of 4 stars). 3 submissions from 3 submitters: Likely benign (3). Last evaluated 2026-01-23.

Conditions:
DIAPH1-related disorder. Also called: DIAPH1-related condition.
Autosomal dominant nonsyndromic hearing loss 1. Also called: KONIGSMARK SYNDROME; DEAFNESS, AUTOSOMAL DOMINANT 1, WITH OR WITHOUT THROMBOCYTOPENIA. Identifiers: Orphanet 90635, MedGen C1852282, MONDO:0007424, OMIM 124900.
Progressive microcephaly-seizures-cortical blindness-developmental delay syndrome. Also called: Seizures, cortical blindness, and microcephaly syndrome. Identifiers: Orphanet 477814, MedGen C5567650, MONDO:0014714, OMIM 616632.

Allele frequency attached by ClinVar (database versions not stated): gnomAD exomes 0.00001 and 0.00004; ExAC 0.00005; ESP Exome Variant Server 0.00008; gnomAD 0.00015 and 0.00016; TOPMed 0.00024.
gnomAD v4.1: 45 of 1,612,246 alleles (0.0028%); highest among the groups gnomAD compares: African/African-American, 0.053%; no homozygotes.

Submissions (3):

PreventionGenetics, part of Exact Sciences
Classification: Likely benign for DIAPH1-related condition. Last evaluated: 2026-01-23. Review status: criteria provided, single submitter. Criteria: ACMG Guidelines, 2015. Collection method: clinical testing. Allele origin: germline.
Comment: This variant is classified as likely benign based on ACMG/AMP sequence variant interpretation guidelines (Richards et al. 2015 PMID: 25741868, with internal and published modifications).

Labcorp Genetics (formerly Invitae), Labcorp
Classification: Likely benign for Progressive microcephaly-seizures-cortical blindness-developmental delay syndrome; Autosomal dominant nonsyndromic hearing loss 1. Last evaluated: 2026-01-06. Review status: criteria provided, single submitter. Criteria: Invitae Variant Classification Sherloc (09022015). Collection method: clinical testing. Allele origin: germline.

Blueprint Genetics
Classification: Likely benign. Last evaluated: 2023-07-25. Review status: criteria provided, single submitter. Criteria: ACMG Guidelines, 2015. Collection method: clinical testing. Allele origin: germline.